The following is an entry in ClinVar:

NM_000059.4(BRCA2):c.1072G>A (p.Val358Met)

Gene: BRCA2 (BRCA2 DNA repair associated; plus strand). Cytogenetic location: 13q13.1.
Variant type: single nucleotide variant.
Coding change: c.1072G>A on transcript NM_000059.4 (MANE Select); coding-DNA position 1072, G replaced by A.
Protein change: p.Val358Met; replaces valine 358 with methionine.
Molecular consequence: missense variant.
Genome position (GRCh38, 1-based): chr13:32,332,550, G>A. VCF-style: chr13-32332550-G-A. GRCh37 (hg19) VCF-style: chr13-32906687-G-A.
Other names: short protein forms V358M.
Identifiers: ClinVar variation 480892 (VCV000480892.7), dbSNP rs1555281727, ClinGen allele CA387761402.

ClinVar aggregate classification (germline): Likely benign. Review status: criteria provided, multiple submitters, no conflicts (2 of 4 stars). 2 submissions from 2 submitters: Likely benign (2). Last evaluated 2023-03-23.

Conditions:
Hereditary cancer-predisposing syndrome. Also called: Hereditary Cancer Syndrome; Neoplastic Syndromes, Hereditary; Tumor predisposition; Hereditary neoplastic syndrome. Identifiers: Orphanet 140162, MedGen C0027672, MeSH D009386, MONDO:0015356.

Submissions (2):

University of Washington Department of Laboratory Medicine, University of Washington
Classification: Likely benign for Hereditary cancer-predisposing syndrome. Last evaluated: 2023-03-23. Review status: criteria provided, single submitter. Criteria: Dines et al. (Genet Med. 2020). Collection method: curation. Allele origin: germline.
Comment: Missense variant in a coldspot region where missense variants are very unlikely to be pathogenic (PMID:31911673).

BRCA2 exon 10 coldspot. Reclassification based on statistical prior probability.

Ambry Genetics
Classification: Likely benign for Hereditary cancer-predisposing syndrome. Last evaluated: 2017-01-26. Review status: criteria provided, single submitter. Criteria: Ambry Variant Classification Scheme 2023. Collection method: clinical testing. Allele origin: germline.